The following is an entry in ClinVar:

NM_001134831.2(AHI1):c.1399C>T (p.Gln467Ter)

Gene: AHI1 (Abelson helper integration site 1; minus strand). Cytogenetic location: 6q23.3.
Variant type: single nucleotide variant.
Coding change: c.1399C>T on transcript NM_001134831.2 (MANE Select); coding-DNA position 1399, C replaced by T.
Protein change: p.Gln467Ter; replaces glutamine 467 with a stop codon.
Molecular consequence: nonsense.
Genome position (GRCh38, 1-based): chr6:135,453,382, G>A on the plus strand (C>T on the coding strand, the complement: AHI1 is on the minus strand). VCF-style: chr6-135453382-G-A. GRCh37 (hg19) VCF-style: chr6-135774520-G-A.
Other names: c.1399C>T, p.Gln467Ter (NM_001134830.2, NM_001134832.2, NM_001350503.2 and 2 more transcripts); short protein forms Q467*.
Identifiers: ClinVar variation 3390297 (VCV003390297.14).

ClinVar aggregate classification (germline): Pathogenic (1 of 4 stars; one submission).

Submission:

CeGaT Center for Human Genetics Tuebingen
Classification: Pathogenic. Last evaluated: 2024-11-01. Review status: criteria provided, single submitter. Criteria: CeGaT Center For Human Genetics Tuebingen Variant Classification Criteria Version 2. Collection method: clinical testing. Allele origin: germline. Affected: yes. Observed: 1 variant allele.
Comment: AHI1: PVS1, PM2